The following is an entry in ClinVar:

ClinVar aggregate classification (germline): Uncertain significance (1 of 4 stars; one submission).

Conditions:
Lysinuric protein intolerance (LPI). Identifiers: Orphanet 470, MedGen C0268647, MONDO:0009109, OMIM 222700.

Submission:

Labcorp Genetics (formerly Invitae), Labcorp
Classification: Uncertain significance for Lysinuric protein intolerance. Last evaluated: 2022-08-19. Review status: criteria provided, single submitter. Criteria: Invitae Variant Classification Sherloc (09022015). Collection method: clinical testing. Allele origin: germline.
Comment: Algorithms developed to predict the effect of sequence changes on RNA splicing suggest that this variant may disrupt the consensus splice site. This sequence change replaces cysteine, which is neutral and slightly polar, with serine, which is neutral and polar, at codon 167 of the SLC7A7 protein (p.Cys167Ser). This variant is not present in population databases (gnomAD no frequency). This variant has not been reported in the literature in individuals affected with SLC7A7-related conditions. Algorithms developed to predict the effect of missense changes on protein structure and function (SIFT, PolyPhen-2, Align-GVGD) all suggest that this variant is likely to be tolerated. In summary, the available evidence is currently insufficient to determine the role of this variant in disease. Therefore, it has been classified as a Variant of Uncertain Significance.

NM_003982.4(SLC7A7):c.500G>C (p.Cys167Ser)

Gene: SLC7A7 (solute carrier family 7 member 7; minus strand). Cytogenetic location: 14q11.2.
Variant type: single nucleotide variant.
Coding change: c.500G>C on transcript NM_003982.4 (MANE Select); coding-DNA position 500, G replaced by C.
Protein change: p.Cys167Ser; replaces cysteine 167 with serine.
Molecular consequence: missense variant.
Genome position (GRCh38, 1-based): chr14:22,780,051, C>G on the plus strand (G>C on the coding strand, the complement: SLC7A7 is on the minus strand). VCF-style: chr14-22780051-C-G. GRCh37 (hg19) VCF-style: chr14-23249260-C-G.
Other names: c.500G>C, p.Cys167Ser (NM_001126105.3, NM_001126106.4); short protein forms C167S.
Identifiers: ClinVar variation 2086391 (VCV002086391.4), dbSNP rs2501864560, ClinGen allele CA388924456.